The following is an entry in ClinVar:

NM_001360.3(DHCR7):c.821A>G (p.Asn274Ser)

Gene: DHCR7 (7-dehydrocholesterol reductase; minus strand). Cytogenetic location: 11q13.4.
Variant type: single nucleotide variant.
Coding change: c.821A>G on transcript NM_001360.3 (MANE Select); coding-DNA position 821, A replaced by G.
Protein change: p.Asn274Ser; replaces asparagine 274 with serine.
Molecular consequence: missense variant.
Genome position (GRCh38, 1-based): chr11:71,438,889, T>C on the plus strand (A>G on the coding strand, the complement: DHCR7 is on the minus strand). VCF-style: chr11-71438889-T-C. GRCh37 (hg19) VCF-style: chr11-71149935-T-C.
Other names: c.821A>G, p.Asn274Ser (NM_001163817.2); short protein forms N274S.
Identifiers: ClinVar variation 1338543 (VCV001338543.4), dbSNP rs774275482, ClinGen allele CA381703205.

ClinVar aggregate classification (germline): Likely pathogenic (1 of 4 stars; one submission).

Allele frequency attached by ClinVar (database versions not stated): gnomAD exomes below 0.00001; gnomAD 0.00001.
gnomAD v4.1: 2 of 1,613,670 alleles (0.00012%); highest among the groups gnomAD compares: Middle Eastern, 0.016%; no homozygotes.

Submission:

Genetic Services Laboratory, University of Chicago
Classification: Likely pathogenic. Last evaluated: 2019-09-04. Review status: criteria provided, single submitter. Criteria: ACMG Guidelines, 2015. Collection method: clinical testing. Allele origin: germline. Affected: yes.
Comment: DNA sequence analysis of the DHCR7 gene demonstrated a sequence change, c.821A>G, in exon 7 that results in an amino acid change, p.Asn274Ser. This particular amino acid change does not appear to have been described in the literature in other patients with DHCR7-related Smith-Lemli-Opitz syndrome (SLO), however, a different sequence change affecting the same amino acid residue (p.Asn274Lys) has been described in patients with biochemical diagnosis of SLO with a second pathogenic sequence change in this gene (PMID:12818773 and PMID: 15979035). This particular sequence change has been described in the gnomAD database in one individual which corresponds to a population frequency of 0.0032% (rs774275482). The p.Asn274Ser change affects a highly conserved amino acid residue located in a transmembrane domain of the DHCR7 protein that is known to be functional (PMID:15521979). The p.Asn274Ser substitution appears to be deleterious using several in-silico pathogenicity prediction tools (SIFT, PolyPhen2, Align GVGD, REVEL). These collective evidences indicate that this sequence change is likely pathogenic.